The following is an entry in ClinVar:

ClinVar aggregate classification (germline): Conflicting classifications of pathogenicity. Review status: criteria provided, conflicting classifications (1 of 4 stars). 5 submissions from 5 submitters: Uncertain significance (1); Benign (2); Likely benign (2). Last evaluated 2026-01-18.

Conditions:
CDKN1B-related disorder. Also called: CDKN1B-related condition.
Hereditary cancer-predisposing syndrome. Also called: Neoplastic Syndromes, Hereditary; Hereditary Cancer Syndrome; Tumor predisposition; Hereditary neoplastic syndrome. Identifiers: Orphanet 140162, MedGen C0027672, MeSH D009386, MONDO:0015356.
Multiple endocrine neoplasia type 4. Also called: MULTIPLE ENDOCRINE NEOPLASIA, TYPE IV. Identifiers: Orphanet 276152, MedGen C1970712, MONDO:0012552, OMIM 610755.

Allele frequency attached by ClinVar (database versions not stated): gnomAD 0.00006 and 0.00009; TOPMed 0.00009; gnomAD exomes 0.00012; ExAC 0.00013; 1000 Genomes Project 30x 0.00047; 1000 Genomes Project 0.00060.

Submissions (5):

Labcorp Genetics (formerly Invitae), Labcorp
Classification: Likely benign for Multiple endocrine neoplasia type 4. Last evaluated: 2026-01-18. Review status: criteria provided, single submitter. Criteria: Invitae Variant Classification Sherloc (09022015). Collection method: clinical testing. Allele origin: germline.

PreventionGenetics, part of Exact Sciences
Classification: Likely benign for CDKN1B-related condition. Last evaluated: 2025-10-09. Review status: criteria provided, single submitter. Criteria: ACMG Guidelines, 2015. Collection method: clinical testing. Allele origin: germline.
Comment: This variant is classified as likely benign based on ACMG/AMP sequence variant interpretation guidelines (Richards et al. 2015 PMID: 25741868, with internal and published modifications).

Quest Diagnostics Nichols Institute San Juan Capistrano
Classification: Benign. Last evaluated: 2023-07-12. Review status: criteria provided, single submitter. Criteria: Quest Diagnostics criteria. Collection method: clinical testing. Allele origin: unknown.

Ambry Genetics
Classification: Benign for Hereditary cancer-predisposing syndrome. Last evaluated: 2022-12-08. Review status: criteria provided, single submitter. Criteria: Ambry Variant Classification Scheme 2023. Collection method: clinical testing. Allele origin: germline.

Baylor Genetics
Classification: Uncertain significance for Multiple endocrine neoplasia type 4. Last evaluated: 2022-07-30. Review status: criteria provided, single submitter. Criteria: ACMG Guidelines, 2015. Collection method: clinical testing. Allele origin: unknown.

Literature cited by the submitters: PubMed 31760486 (cited by Quest Diagnostics Nichols Institute San Juan Capistrano); PubMed 34322384 (cited by Quest Diagnostics Nichols Institute San Juan Capistrano).

NM_004064.5(CDKN1B):c.225G>C (p.Glu75Asp)

Gene: CDKN1B (cyclin dependent kinase inhibitor 1B; plus strand). Cytogenetic location: 12p13.1.
Variant type: single nucleotide variant.
Coding change: c.225G>C on transcript NM_004064.5 (MANE Select); coding-DNA position 225, G replaced by C.
Protein change: p.Glu75Asp; replaces glutamic acid 75 with aspartic acid.
Molecular consequence: missense variant.
Genome position (GRCh38, 1-based): chr12:12,718,064, G>C. VCF-style: chr12-12718064-G-C. GRCh37 (hg19) VCF-style: chr12-12870998-G-C.
Other names: short protein forms E75D.
Identifiers: ClinVar variation 485499 (VCV000485499.19), dbSNP rs139727620, ClinGen allele CA6457418.